The following is an entry in ClinVar:

NM_000327.4(ROM1):c.404A>G (p.Glu135Gly)

Gene: ROM1 (retinal outer segment membrane protein 1; plus strand). Cytogenetic location: 11q12.3.
Variant type: single nucleotide variant.
Coding change: c.404A>G on transcript NM_000327.4 (MANE Select); coding-DNA position 404, A replaced by G.
Protein change: p.Glu135Gly; replaces glutamic acid 135 with glycine.
Molecular consequence: missense variant.
Genome position (GRCh38, 1-based): chr11:62,613,685, A>G. VCF-style: chr11-62613685-A-G. GRCh37 (hg19) VCF-style: chr11-62381157-A-G.
Other names: short protein forms E135G.
Identifiers: ClinVar variation 1468742 (VCV001468742.8), dbSNP rs1303031123, ClinGen allele CA380969652.

ClinVar aggregate classification (germline): Uncertain significance (1 of 4 stars; one submission).

Allele frequency attached by ClinVar (database versions not stated): gnomAD 0.00001.
gnomAD v4.1: 1 of 1,613,874 alleles (0.000062%); highest among the groups gnomAD compares: Non-Finnish European, 0.000085%; no homozygotes.

Submission:

Labcorp Genetics (formerly Invitae), Labcorp
Classification: Uncertain significance. Last evaluated: 2021-02-03. Review status: criteria provided, single submitter. Criteria: Invitae Variant Classification Sherloc (09022015). Collection method: clinical testing. Allele origin: germline.
Comment: In summary, the available evidence is currently insufficient to determine the role of this variant in disease. Therefore, it has been classified as a Variant of Uncertain Significance. Algorithms developed to predict the effect of missense changes on protein structure and function are either unavailable or do not agree on the potential impact of this missense change (SIFT: "Deleterious"; PolyPhen-2: "Possibly Damaging"; Align-GVGD: "Class C0"). This variant has not been reported in the literature in individuals with ROM1-related conditions. This variant is not present in population databases (ExAC no frequency). This sequence change replaces glutamic acid with glycine at codon 135 of the ROM1 protein (p.Glu135Gly). The glutamic acid residue is highly conserved and there is a moderate physicochemical difference between glutamic acid and glycine.